The following is an entry in ClinVar:

NM_000291.4(PGK1):c.1091_1111dup (p.Ile370_Ile371insThrArgGlyCysIleThrIle)

Gene: PGK1 (phosphoglycerate kinase 1; plus strand). Cytogenetic location: Xq21.1.
Variant type: Duplication.
Coding change: c.1091_1111dup on transcript NM_000291.4 (MANE Select); coding-DNA positions 1091 to 1111, 21 bases duplicated (CTAGGGGCTGCATCACCATCA).
Protein change: p.Ile370_Ile371insThrArgGlyCysIleThrIle.
Genome position (GRCh38, 1-based): chrX:78,125,028-78,125,048, CTAGGGGCTGCATCACCATCA duplicated. VCF-style (leftmost placement, unchanged base first): chrX-78125027-T-TCTAGGGGCTGCATCACCATCA. GRCh37 (hg19) VCF-style: chrX-77380524-T-TCTAGGGGCTGCATCACCATCA.
Identifiers: ClinVar variation 3729280 (VCV003729280.2).

ClinVar aggregate classification (germline): Uncertain significance (1 of 4 stars; one submission).

Submission:

Labcorp Genetics (formerly Invitae), Labcorp
Classification: Uncertain significance. Last evaluated: 2025-01-21. Review status: criteria provided, single submitter. Criteria: Invitae Variant Classification Sherloc (09022015). Collection method: clinical testing. Allele origin: germline.
Comment: This variant, c.1091_1111dup, results in the insertion of 7 amino acid(s) of the PGK1 protein (p.Ile370_Ile371insThrArgGlyCysIleThrIle), but otherwise preserves the integrity of the reading frame. This variant is not present in population databases (gnomAD no frequency). This variant has not been reported in the literature in individuals affected with PGK1-related conditions. In summary, the available evidence is currently insufficient to determine the role of this variant in disease. Therefore, it has been classified as a Variant of Uncertain Significance.